The following is an entry in ClinVar:

NM_000760.4(CSF3R):c.1670G>A (p.Ser557Asn)

Gene: CSF3R (colony stimulating factor 3 receptor; minus strand). Cytogenetic location: 1p34.3.
Variant type: single nucleotide variant.
Coding change: c.1670G>A on transcript NM_000760.4 (MANE Select); coding-DNA position 1670, G replaced by A.
Protein change: p.Ser557Asn; replaces serine 557 with asparagine.
Molecular consequence: missense variant.
Genome position (GRCh38, 1-based): chr1:36,468,128, C>T on the plus strand (G>A on the coding strand, the complement: CSF3R is on the minus strand). VCF-style: chr1-36468128-C-T. GRCh37 (hg19) VCF-style: chr1-36933729-C-T.
Other names: c.1670G>A, p.Ser557Asn (NM_156039.3, NM_172313.3); short protein forms S557N.
Identifiers: ClinVar variation 2181616 (VCV002181616.4), dbSNP rs375011831, ClinGen allele CA339418228.

ClinVar aggregate classification (germline): Uncertain significance (1 of 4 stars; one submission).

Conditions:
Autosomal recessive severe congenital neutropenia due to CSF3R deficiency. Also called: Neutropenia, severe congenital, 7, autosomal recessive. Identifiers: Orphanet 420702, MedGen C4310764, MONDO:0014865, OMIM 617014.

gnomAD v4.1: 1 of 1,614,014 alleles (0.000062%); highest among the groups gnomAD compares: African/African-American, 0.0013%; no homozygotes.

Submission:

Labcorp Genetics (formerly Invitae), Labcorp
Classification: Uncertain significance for Autosomal recessive severe congenital neutropenia due to CSF3R deficiency. Last evaluated: 2022-01-04. Review status: criteria provided, single submitter. Criteria: Invitae Variant Classification Sherloc (09022015). Collection method: clinical testing. Allele origin: germline.
Comment: In summary, the available evidence is currently insufficient to determine the role of this variant in disease. Therefore, it has been classified as a Variant of Uncertain Significance. Algorithms developed to predict the effect of missense changes on protein structure and function are either unavailable or do not agree on the potential impact of this missense change (SIFT: "Tolerated"; PolyPhen-2: "Possibly Damaging"; Align-GVGD: "Class C0"). This variant has not been reported in the literature in individuals affected with CSF3R-related conditions. This variant is not present in population databases (gnomAD no frequency). This sequence change replaces serine, which is neutral and polar, with asparagine, which is neutral and polar, at codon 557 of the CSF3R protein (p.Ser557Asn).